The following is an entry in ClinVar:

ClinVar aggregate classification (germline): Uncertain significance. Review status: criteria provided, multiple submitters, no conflicts (2 of 4 stars). 2 submissions from 2 submitters: Uncertain significance (2). Last evaluated 2025-01-27.

Conditions:
Bardet-Biedl syndrome (BBS). Identifiers: Orphanet 110, MedGen C0752166, MONDO:0015229.
Bardet-Biedl syndrome 4 (BBS4). Identifiers: Orphanet 110, MedGen C2936864, MONDO:0014433, OMIM 615982.

Allele frequency attached by ClinVar (database versions not stated): TOPMed below 0.00001.
gnomAD v4.1: 5 of 1,613,930 alleles (0.00031%); highest among the groups gnomAD compares: Non-Finnish European, 0.00042%; no homozygotes.

Submissions (2):

Labcorp Genetics (formerly Invitae), Labcorp
Classification: Uncertain significance for Bardet-Biedl syndrome. Last evaluated: 2025-01-27. Review status: criteria provided, single submitter. Criteria: Invitae Variant Classification Sherloc (09022015). Collection method: clinical testing. Allele origin: germline.
Comment: This sequence change replaces valine, which is neutral and non-polar, with aspartic acid, which is acidic and polar, at codon 143 of the BBS4 protein (p.Val143Asp). This variant is not present in population databases (gnomAD no frequency). This variant has not been reported in the literature in individuals affected with BBS4-related conditions. ClinVar contains an entry for this variant (Variation ID: 1061182). Invitae Evidence Modeling of protein sequence and biophysical properties (such as structural, functional, and spatial information, amino acid conservation, physicochemical variation, residue mobility, and thermodynamic stability) indicates that this missense variant is not expected to disrupt BBS4 protein function with a negative predictive value of 80%. In summary, the available evidence is currently insufficient to determine the role of this variant in disease. Therefore, it has been classified as a Variant of Uncertain Significance.

Fulgent Genetics
Classification: Uncertain significance for Bardet-Biedl syndrome 4. Last evaluated: 2022-03-18. Review status: criteria provided, single submitter. Criteria: ACMG Guidelines, 2015. Collection method: clinical testing. Allele origin: unknown.

NM_033028.5(BBS4):c.428T>A (p.Val143Asp)

Gene: BBS4 (Bardet-Biedl syndrome 4; plus strand). Cytogenetic location: 15q24.1.
Variant type: single nucleotide variant.
Coding change: c.428T>A on transcript NM_033028.5 (MANE Select); coding-DNA position 428, T replaced by A.
Protein change: p.Val143Asp; replaces valine 143 with aspartic acid.
Molecular consequence: missense variant. On other transcripts: 5 prime UTR variant (1), non-coding transcript variant (2).
Genome position (GRCh38, 1-based): chr15:72,722,816, T>A. VCF-style: chr15-72722816-T-A. GRCh37 (hg19) VCF-style: chr15-73015157-T-A.
Other names: c.-89T>A (NM_001252678.2); c.428T>A, p.Val143Asp (NM_001320665.2); short protein forms V143D.
Identifiers: ClinVar variation 1061182 (VCV001061182.8), dbSNP rs2065601390, ClinGen allele CA393075657.